The following is an entry in ClinVar:

NM_000458.4(HNF1B):c.789del (p.Ala263_Leu264insTer)

Genes: HNF1B (HNF1 homeobox B; minus strand), LOC126862549 (BRD4-independent group 4 enhancer GRCh37_chr17:36093401-36094600; plus strand). Cytogenetic location: 17q12.
Variant type: Deletion.
Coding change: c.789del on transcript NM_000458.4 (MANE Select); coding-DNA position 789, one base deleted (C; older notation c.789delC).
Protein change: p.Ala263_Leu264insTer.
Molecular consequence: frameshift variant.
Genome position (GRCh38, 1-based): chr17:37,733,577, G deleted on the plus strand (C on the coding strand, the reverse complement: HNF1B is on the minus strand); the first of 2 consecutive G bases (chr17:37,733,577-37,733,578); deleting either gives the same sequence. VCF-style (leftmost placement, unchanged base first): chr17-37733576-AG-A. GRCh37 (hg19) VCF-style: chr17-36093569-AG-A.
Other names: c.711del, p.Ala237_Leu238insTer (NM_001165923.4, NM_001304286.2).
Identifiers: ClinVar variation 586803 (VCV000586803.3), dbSNP rs1568665590, ClinGen allele CA891843654.

ClinVar aggregate classification (germline): Pathogenic. Review status: criteria provided, multiple submitters, no conflicts (2 of 4 stars). 2 submissions from 2 submitters: Pathogenic (2). Last evaluated 2019-07-06.

Conditions:
Renal cysts and diabetes syndrome (RCAD). Also called: Familial hypoplastic, glomerulocystic kidney; MATURITY-ONSET DIABETES OF THE YOUNG, TYPE 5. Identifiers: Orphanet 93111, MedGen C0431693, MONDO:0007669, OMIM 137920.

Submissions (2):

Institute of Human Genetics, FAU Erlangen, Friedrich-Alexander-Universität Erlangen-Nürnberg
Classification: Pathogenic for Renal cysts and diabetes syndrome. Last evaluated: 2019-07-06. Review status: criteria provided, single submitter. Criteria: ACMG Guidelines, 2015. Collection method: literature only. Allele origin: germline. Affected: yes.
Comment: This variant and it's classification has been reported by Vasileiou et al. 2019; DOI:10.1101/576918. The variants has previously been reported in ClinVar:586803 as "NM_000458.3(HNF1B):c.789del (p.Leu264Terfs)" with clinical significance Likely pathogenic. It has been re-classified using InterVar and manual curation as Pathogenic based on PVS1 PM2 PP3.

Athena Diagnostics
Classification: Pathogenic. Last evaluated: 2019-04-26. Review status: criteria provided, single submitter. Criteria: Athena Diagnostics Criteria. Collection method: clinical testing. Allele origin: germline.
Comment: The variant results in a shift of the reading frame, and is therefore predicted to result in the loss of a functional protein. Found in at least one symptomatic patient, and not found in general population data.

Literature cited by the submitters: DOI 10.1101/576918 (cited by Institute of Human Genetics, FAU Erlangen, Friedrich-Alexander-Universität Erlangen-Nürnberg).